The following is an entry in ClinVar:

NM_000116.5(TAFAZZIN):c.504G>A (p.Lys168=)

Gene: TAFAZZIN (tafazzin, phospholipid-lysophospholipid transacylase; plus strand). Cytogenetic location: Xq28.
Variant type: single nucleotide variant.
Coding change: c.504G>A on transcript NM_000116.5 (MANE Select); coding-DNA position 504, G replaced by A.
Protein change: p.Lys168=; no amino-acid change (lysine 168 retained).
Molecular consequence: synonymous variant. On other transcripts: non-coding transcript variant (1).
Genome position (GRCh38, 1-based): chrX:154,419,586, G>A. VCF-style: chrX-154419586-G-A. GRCh37 (hg19) VCF-style: chrX-153647925-G-A.
Other names: c.558G>A, p.Lys186= (NM_001303465.2); c.414G>A, p.Lys138= (NM_181311.4, NM_181313.4); c.504G>A, p.Lys168= (NM_181312.4).
Identifiers: ClinVar variation 368087 (VCV000368087.21), dbSNP rs1057515818, ClinGen allele CA10653864.

ClinVar aggregate classification (germline): Conflicting classifications of pathogenicity. Review status: criteria provided, conflicting classifications (1 of 4 stars). 5 submissions from 4 submitters: Uncertain significance (2); Likely benign (3). Last evaluated 2026-01-10.

Conditions:
Cardiovascular phenotype. Identifiers: MedGen CN230736.
Endocardial fibroelastosis (EFE). Identifiers: Orphanet 2022, MedGen C0014117, MONDO:0009169, OMIM 226000, HP:0001706.
3-Methylglutaconic aciduria type 2 (BTHS). Also called: CARDIOSKELETAL MYOPATHY WITH NEUTROPENIA AND ABNORMAL MITOCHONDRIA; Barth syndrome. Identifiers: Orphanet 111, MedGen C0574083, MONDO:0010543, OMIM 302060.
Primary dilated cardiomyopathy (DCM). Also called: Dilated Cardiomyopathy. Identifiers: Orphanet 217604, MedGen C0007193, MeSH D002311, MONDO:0005021, HP:0001644. Inheritance: Various modes of inheritance.

Allele frequency attached by ClinVar (database versions not stated): gnomAD exomes 0.00001.
gnomAD v4.1: 6 of 1,211,963 alleles (0.0005%); highest among the groups gnomAD compares: Non-Finnish European, 0.00067%; no homozygotes.

Submissions (5):

Ambry Genetics
Classification: Likely benign for Cardiovascular phenotype. Last evaluated: 2026-01-10. Review status: criteria provided, single submitter. Criteria: Ambry Variant Classification Scheme 2023. Collection method: clinical testing. Allele origin: germline.

Labcorp Genetics (formerly Invitae), Labcorp
Classification: Likely benign for 3-Methylglutaconic aciduria type 2. Last evaluated: 2023-11-06. Review status: criteria provided, single submitter. Criteria: Invitae Variant Classification Sherloc (09022015). Collection method: clinical testing. Allele origin: germline.

GeneDx
Classification: Likely benign. Last evaluated: 2018-04-12. Review status: criteria provided, single submitter. Criteria: GeneDx Variant Classification (06012015). Collection method: clinical testing. Allele origin: germline. Affected: yes.
Comment: This variant is considered likely benign or benign based on one or more of the following criteria: it is a conservative change, it occurs at a poorly conserved position in the protein, it is predicted to be benign by multiple in silico algorithms, and/or has population frequency not consistent with disease.

Illumina Laboratory Services, Illumina
Classification: Uncertain significance for Endocardial fibroelastosis. Last evaluated: 2018-01-13. Review status: criteria provided, single submitter. Criteria: ICSL Variant Classification Criteria 13 December 2019. Collection method: clinical testing. Allele origin: germline.

Illumina Laboratory Services, Illumina
Classification: Uncertain significance for Primary dilated cardiomyopathy. Last evaluated: 2018-01-13. Review status: criteria provided, single submitter. Criteria: ICSL Variant Classification Criteria 13 December 2019. Collection method: clinical testing. Allele origin: germline.